The following is an entry in ClinVar:

ClinVar aggregate classification (germline): Uncertain significance (1 of 4 stars; one submission).

Conditions:
GM3 synthase deficiency (SPDRS). Also called: SALT AND PEPPER DEVELOPMENTAL REGRESSION SYNDROME; AMISH INFANTILE EPILEPSY SYNDROME; SALT AND PEPPER MENTAL RETARDATION SYNDROME. Identifiers: Orphanet 171714, Orphanet 370933, MedGen C1836824, MONDO:0018274, OMIM 609056.

Allele frequency attached by ClinVar (database versions not stated): gnomAD 0.00001; TOPMed 0.00002; ExAC 0.00003; gnomAD exomes 0.00003 and 0.00004.
gnomAD v4.1: 44 of 1,614,074 alleles (0.0027%); highest among the groups gnomAD compares: Non-Finnish European, 0.0031%; no homozygotes.

Submission:

Labcorp Genetics (formerly Invitae), Labcorp
Classification: Uncertain significance for GM3 synthase deficiency. Last evaluated: 2022-06-13. Review status: criteria provided, single submitter. Criteria: Invitae Variant Classification Sherloc (09022015). Collection method: clinical testing. Allele origin: germline.
Comment: This sequence change replaces arginine, which is basic and polar, with glutamine, which is neutral and polar, at codon 334 of the ST3GAL5 protein (p.Arg334Gln). This variant is present in population databases (rs757193745, gnomAD 0.006%). This variant has not been reported in the literature in individuals affected with ST3GAL5-related conditions. Algorithms developed to predict the effect of missense changes on protein structure and function output the following: SIFT: "Tolerated"; PolyPhen-2: "Benign"; Align-GVGD: "Class C0". The glutamine amino acid residue is found in multiple mammalian species, which suggests that this missense change does not adversely affect protein function. In summary, the available evidence is currently insufficient to determine the role of this variant in disease. Therefore, it has been classified as a Variant of Uncertain Significance.

NM_003896.4(ST3GAL5):c.1001G>A (p.Arg334Gln)

Gene: ST3GAL5 (ST3 beta-galactoside alpha-2,3-sialyltransferase 5; minus strand). Cytogenetic location: 2p11.2.
Variant type: single nucleotide variant.
Coding change: c.1001G>A on transcript NM_003896.4 (MANE Select); coding-DNA position 1001, G replaced by A.
Protein change: p.Arg334Gln; replaces arginine 334 with glutamine.
Molecular consequence: missense variant. On other transcripts: intron variant (1).
Genome position (GRCh38, 1-based): chr2:85,844,403, C>T on the plus strand (G>A on the coding strand, the complement: ST3GAL5 is on the minus strand). VCF-style: chr2-85844403-C-T. GRCh37 (hg19) VCF-style: chr2-86071526-C-T.
Other names: c.932G>A, p.Arg311Gln (NM_001042437.2); c.617G>A, p.Arg206Gln (NM_001354223.2, NM_001354224.2, NM_001354226.2 and 3 more transcripts); c.917G>A, p.Arg306Gln (NM_001354227.2, NM_001354229.2, NM_001354238.1); c.278G>A, p.Arg93Gln (NM_001354247.1); c.849+1974G>A (NM_001363847.1); short protein forms R206Q, R306Q, R311Q, R334Q, R93Q.
Identifiers: ClinVar variation 1359442 (VCV001359442.3), dbSNP rs757193745, ClinGen allele CA1744938.